The following is an entry in ClinVar:

ClinVar aggregate classification (germline): Uncertain significance. Review status: criteria provided, multiple submitters, no conflicts (2 of 4 stars). 2 submissions from 2 submitters: Uncertain significance (2). Last evaluated 2022-10-05.

Conditions:
Inborn genetic diseases. Identifiers: MedGen C0950123, MeSH D030342.
Combined oxidative phosphorylation defect type 27. Also called: Combined oxidative phosphorylation deficiency 27. Identifiers: Orphanet 477774, MedGen C5567608, MONDO:0014728, OMIM 616672.

Allele frequency attached by ClinVar (database versions not stated): gnomAD 0.00001; TOPMed 0.00002; ExAC 0.00003; gnomAD exomes 0.00004.
gnomAD v4.1: 31 of 1,613,502 alleles (0.0019%); highest among the groups gnomAD compares: Middle Eastern, 0.016%; no homozygotes.

Submissions (2):

Labcorp Genetics (formerly Invitae), Labcorp
Classification: Uncertain significance for Combined oxidative phosphorylation defect type 27. Last evaluated: 2022-10-05. Review status: criteria provided, single submitter. Criteria: Invitae Variant Classification Sherloc (09022015). Collection method: clinical testing. Allele origin: germline.
Comment: This sequence change replaces glutamic acid, which is acidic and polar, with lysine, which is basic and polar, at codon 291 of the CARS2 protein (p.Glu291Lys). This variant is present in population databases (rs749694651, gnomAD 0.01%). This variant has not been reported in the literature in individuals affected with CARS2-related conditions. ClinVar contains an entry for this variant (Variation ID: 664267). Advanced modeling of protein sequence and biophysical properties (such as structural, functional, and spatial information, amino acid conservation, physicochemical variation, residue mobility, and thermodynamic stability) performed at Invitae indicates that this missense variant is not expected to disrupt CARS2 protein function. Algorithms developed to predict the effect of sequence changes on RNA splicing suggest that this variant may disrupt the consensus splice site. In summary, the available evidence is currently insufficient to determine the role of this variant in disease. Therefore, it has been classified as a Variant of Uncertain Significance.

Ambry Genetics
Classification: Uncertain significance for Inborn genetic diseases. Last evaluated: 2021-07-06. Review status: criteria provided, single submitter. Criteria: Ambry Variant Classification Scheme 2023. Collection method: clinical testing. Allele origin: germline.

NM_024537.4(CARS2):c.871G>A (p.Glu291Lys)

Gene: CARS2 (cysteinyl-tRNA synthetase 2, mitochondrial; minus strand). Cytogenetic location: 13q34.
Variant type: single nucleotide variant.
Coding change: c.871G>A on transcript NM_024537.4 (MANE Select); coding-DNA position 871, G replaced by A.
Protein change: p.Glu291Lys; replaces glutamic acid 291 with lysine.
Molecular consequence: missense variant. On other transcripts: non-coding transcript variant (2).
Genome position (GRCh38, 1-based): chr13:110,667,388, C>T on the plus strand (G>A on the coding strand, the complement: CARS2 is on the minus strand). VCF-style: chr13-110667388-C-T. GRCh37 (hg19) VCF-style: chr13-111319735-C-T.
Other names: c.85G>A, p.Glu29Lys (NM_001352252.2); c.871G>A, p.Glu291Lys (NM_001352253.3); c.871G>A (NM_024537.2); short protein forms E29K, E291K.
Identifiers: ClinVar variation 664267 (VCV000664267.4), dbSNP rs749694651, ClinGen allele CA7052053.